The following is an entry in ClinVar:

NM_003482.4(KMT2D):c.9148del (p.Leu3050fs)

Gene: KMT2D (lysine methyltransferase 2D; minus strand). Cytogenetic location: 12q13.12.
Variant type: Deletion.
Coding change: c.9148del on transcript NM_003482.4 (MANE Select); coding-DNA position 9148, one base deleted (C; older notation c.9148delC).
Protein change: p.Leu3050fs; shifts the reading frame from leucine 3050.
Molecular consequence: frameshift variant.
Genome position (GRCh38, 1-based): chr12:49,038,208, G deleted on the plus strand (C on the coding strand, the reverse complement: KMT2D is on the minus strand). VCF-style (leftmost placement, unchanged base first): chr12-49038207-AG-A. GRCh37 (hg19) VCF-style: chr12-49431990-AG-A.
Other names: short protein forms L3050fs.
Identifiers: ClinVar variation 4845378 (VCV004845378.1).

ClinVar aggregate classification (germline): Pathogenic (1 of 4 stars; one submission).

Conditions:
Kabuki syndrome 1 (KABUK1). Also called: KMT2D-Related Kabuki Syndrome. Identifiers: Orphanet 2322, MedGen CN030661, MONDO:0007843, OMIM 147920.

Submission:

Institute of Human Genetics, University of Leipzig Medical Center
Classification: Pathogenic for Kabuki syndrome 1. Last evaluated: 2026-03-02. Review status: criteria provided, single submitter. Criteria: ACMG Guidelines, 2015. Collection method: clinical testing. Allele origin: de novo. Inheritance: Autosomal dominant inheritance. Affected: yes.
Comment: Criteria applied: PVS1,PS2_MOD,PM2